The following is an entry in ClinVar:

NM_002292.4(LAMB2):c.2488+12C>A

Gene: LAMB2 (laminin subunit beta 2; minus strand). Cytogenetic location: 3p21.31.
Variant type: single nucleotide variant.
Coding change: c.2488+12C>A on transcript NM_002292.4 (MANE Select); 12 bases into the intron after coding-DNA position 2488, C replaced by A.
Molecular consequence: intron variant.
Genome position (GRCh38, 1-based): chr3:49,125,735, G>T on the plus strand (C>A on the coding strand, the complement: LAMB2 is on the minus strand). VCF-style: chr3-49125735-G-T. GRCh37 (hg19) VCF-style: chr3-49163168-G-T.
Identifiers: ClinVar variation 2922810 (VCV002922810.3), dbSNP rs2045406622, ClinGen allele CA1047736397.

ClinVar aggregate classification (germline): Uncertain significance (1 of 4 stars; one submission).

Conditions:
Pierson syndrome. Also called: MICROCORIA-CONGENITAL NEPHROTIC SYNDROME. Identifiers: Orphanet 2670, MedGen C1836876, MONDO:0012184, OMIM 609049.
LAMB2-related infantile-onset nephrotic syndrome. Also called: Nephrotic Syndrome, type 5; NEPHROTIC SYNDROME, TYPE 5, WITHOUT OCULAR ABNORMALITIES; NEPHROTIC SYNDROME, TYPE 5, WITH OCULAR ABNORMALITIES. Identifiers: Orphanet 306507, MedGen C3280113, MONDO:0013621, OMIM 614199.

Allele frequency attached by ClinVar (database versions not stated): gnomAD exomes below 0.00001; TOPMed below 0.00001; gnomAD 0.00001.
gnomAD v4.1: 5 of 1,613,206 alleles (0.00031%); highest among the groups gnomAD compares: Admixed American, 0.0033%; no homozygotes.

Submission:

Labcorp Genetics (formerly Invitae), Labcorp
Classification: Uncertain significance for LAMB2-related infantile-onset nephrotic syndrome; Pierson syndrome. Last evaluated: 2022-11-10. Review status: criteria provided, single submitter. Criteria: Invitae Variant Classification Sherloc (09022015). Collection method: clinical testing. Allele origin: germline.
Comment: This variant has not been reported in the literature in individuals affected with LAMB2-related conditions. This sequence change falls in intron 18 of the LAMB2 gene. It does not directly change the encoded amino acid sequence of the LAMB2 protein. This variant is not present in population databases (gnomAD no frequency). Algorithms developed to predict the effect of sequence changes on RNA splicing suggest that this variant may create or strengthen a splice site. In summary, the available evidence is currently insufficient to determine the role of this variant in disease. Therefore, it has been classified as a Variant of Uncertain Significance.